The following is an entry in ClinVar:

NM_001009944.3(PKD1):c.3493G>T (p.Asp1165Tyr)

Gene: PKD1 (polycystin 1, transient receptor potential channel interacting; minus strand). Cytogenetic location: 16p13.3.
Variant type: single nucleotide variant.
Coding change: c.3493G>T on transcript NM_001009944.3 (MANE Select); coding-DNA position 3493, G replaced by T.
Protein change: p.Asp1165Tyr; replaces aspartic acid 1165 with tyrosine.
Molecular consequence: missense variant.
Genome position (GRCh38, 1-based): chr16:2,111,674, C>A on the plus strand (G>T on the coding strand, the complement: PKD1 is on the minus strand). VCF-style: chr16-2111674-C-A. GRCh37 (hg19) VCF-style: chr16-2161675-C-A.
Other names: c.3493G>T, p.Asp1165Tyr (NM_000296.4); short protein forms D1165Y.
Identifiers: ClinVar variation 4531577 (VCV004531577.1).

ClinVar aggregate classification (germline): Uncertain significance (1 of 4 stars; one submission).

Conditions:
Polycystic kidney disease, adult type (PKD1). Also called: Polycystic Kidney, Autosomal Dominant; POLYCYSTIC KIDNEY DISEASE, ADULT, TYPE I; Polycystic Kidney Disease 1, Autosomal Dominant; Polycystic kidney disease 1; Polycystic kidney disease 1, severe; POLYCYSTIC KIDNEY DISEASE 1 WITH OR WITHOUT POLYCYSTIC LIVER DISEASE. Identifiers: MedGen C3149841, MONDO:0008263, OMIM 173900.

Submission:

Victorian Clinical Genetics Services, Murdoch Childrens Research Institute
Classification: Uncertain significance for Polycystic kidney disease, adult type. Last evaluated: 2025-05-20. Review status: criteria provided, single submitter. Criteria: ACMG Guidelines, 2015. Collection method: clinical testing. Allele origin: germline. Affected: yes.
Comment: This variant is classified as VUS-3A. Evidence in support of pathogenic classification: Variant is absent from gnomAD (v2, v3 and v4); Missense variant predicted to be damaging by in silico tool(s) or highly conserved with a major amino acid change. Additional information: Variant is predicted to result in a missense amino acid change from aspartic acid to tyrosine; This variant is heterozygous; This gene is associated with autosomal dominant disease. Polycystic kidney disease 1 (MIM#173900) is predominantly caused by monoallelic variants, with rare reports of biallelic variants causing disease (OMIM); Alternative amino acid change(s) at the same position are present in gnomAD (Highest allele count: v4: 7 heterozygote(s), 0 homozygote(s)) ; Previous evidence of pathogenicity for this variant is inconclusive. It has been classified as a VUS, and observed in a cohort of individuals with PKD (PMID: 36938073); No published segregation evidence has been identified for this variant; No published functional evidence has been identified for this variant; Another missense variant comparable to the one identified in this case has conflicting previous evidence for pathogenicity. p.(Asp1165Gly) has been classified as a VUS and as likely pathogenic (ClinVar, LOVD). Additionally, it has been reported in the literature in an individual with bilateral renal cysts, who also had a likely pathogenic PKD1 variant in trans (PMID: 35368817); Variant is located in the annotated PKD domain (DECIPHER); Loss of function is a known mechanism of disease in this gene and is associated with polycystic kidney disease 1 (MIM#173900). - Inheritance information for this variant is not currently available in this individual.

Literature cited by the submitters: PubMed 35368817; PubMed 36938073.